The following is an entry in ClinVar:

NM_000038.6(APC):c.5801C>A (p.Pro1934His)

Gene: APC (APC regulator of Wnt signaling pathway; plus strand). Cytogenetic location: 5q22.2.
Variant type: single nucleotide variant.
Coding change: c.5801C>A on transcript NM_000038.6 (MANE Select); coding-DNA position 5801, C replaced by A.
Protein change: p.Pro1934His; replaces proline 1934 with histidine.
Molecular consequence: missense variant.
Genome position (GRCh38, 1-based): chr5:112,841,395, C>A. VCF-style: chr5-112841395-C-A. GRCh37 (hg19) VCF-style: chr5-112177092-C-A.
Other names: c.5801C>A, p.Pro1934His (NM_001127510.3, NM_001354895.2, NM_001407450.1); c.5747C>A, p.Pro1916His (NM_001127511.3); c.5855C>A, p.Pro1952His (NM_001354896.2, NM_001407447.1, NM_001407448.1 and 1 more transcripts); c.5831C>A, p.Pro1944His (NM_001354897.2); c.5726C>A, p.Pro1909His (NM_001354898.2); c.5717C>A, p.Pro1906His (NM_001354899.2); c.5678C>A, p.Pro1893His (NM_001354900.2); c.5624C>A, p.Pro1875His (NM_001354901.2, NM_001407453.1); and 11 more; short protein forms P1550H, P1843H, P1851H, P1906H, P1909H, P1916H, P1927H, P1944H.
Identifiers: ClinVar variation 1749784 (VCV001749784.3), dbSNP rs587780600, ClinGen allele CA16034022.

ClinVar aggregate classification (germline): Uncertain significance (1 of 4 stars; one submission).

Conditions:
Hereditary cancer-predisposing syndrome. Also called: Hereditary Cancer Syndrome; Hereditary neoplastic syndrome; Neoplastic Syndromes, Hereditary; Tumor predisposition. Identifiers: Orphanet 140162, MedGen C0027672, MeSH D009386, MONDO:0015356.

Submission:

Ambry Genetics
Classification: Uncertain significance for Hereditary cancer-predisposing syndrome. Last evaluated: 2025-07-21. Review status: criteria provided, single submitter. Criteria: Ambry Variant Classification Scheme 2023. Collection method: clinical testing. Allele origin: germline.
Comment: The p.P1934H variant (also known as c.5801C>A), located in coding exon 15 of the APC gene, results from a C to A substitution at nucleotide position 5801. The proline at codon 1934 is replaced by histidine, an amino acid with similar properties. This amino acid position is not well conserved in available vertebrate species. In addition, in silico predictors for this gene do not accurately predict pathogenicity. Missense alterations in APC are not a common cause of disease (Spier I et al. Genet Med. 2024 Feb;26(2):100992). Based on the available evidence, the clinical significance of this variant remains unclear.